The following is an entry in ClinVar:

ClinVar aggregate classification (germline): Uncertain significance (1 of 4 stars; one submission).

Allele frequency attached by ClinVar (database versions not stated): gnomAD exomes below 0.00001.
gnomAD v4.1: 4 of 1,613,544 alleles (0.00025%); highest among the groups gnomAD compares: African/African-American, 0.0027%; no homozygotes.

Submission:

Labcorp Genetics (formerly Invitae), Labcorp
Classification: Uncertain significance. Last evaluated: 2022-11-02. Review status: criteria provided, single submitter. Criteria: Invitae Variant Classification Sherloc (09022015). Collection method: clinical testing. Allele origin: germline.
Comment: Advanced modeling of protein sequence and biophysical properties (such as structural, functional, and spatial information, amino acid conservation, physicochemical variation, residue mobility, and thermodynamic stability) performed at Invitae indicates that this missense variant is not expected to disrupt COL11A1 protein function. This variant has not been reported in the literature in individuals affected with COL11A1-related conditions. This variant is not present in population databases (gnomAD no frequency). This sequence change replaces proline, which is neutral and non-polar, with serine, which is neutral and polar, at codon 1029 of the COL11A1 protein (p.Pro1029Ser). In summary, the available evidence is currently insufficient to determine the role of this variant in disease. Therefore, it has been classified as a Variant of Uncertain Significance.

NM_001854.4(COL11A1):c.3085C>T (p.Pro1029Ser)

Gene: COL11A1 (collagen type XI alpha 1 chain; minus strand). Cytogenetic location: 1p21.1.
Variant type: single nucleotide variant.
Coding change: c.3085C>T on transcript NM_001854.4 (MANE Select); coding-DNA position 3085, C replaced by T.
Protein change: p.Pro1029Ser; replaces proline 1029 with serine.
Molecular consequence: missense variant. On other transcripts: non-coding transcript variant (1).
Genome position (GRCh38, 1-based): chr1:102,962,205, G>A on the plus strand (C>T on the coding strand, the complement: COL11A1 is on the minus strand). VCF-style: chr1-102962205-G-A. GRCh37 (hg19) VCF-style: chr1-103427761-G-A.
Other names: c.2737C>T, p.Pro913Ser (NM_001168249.1, NM_080630.4); c.2968C>T, p.Pro990Ser (NM_001190709.2); c.3121C>T, p.Pro1041Ser (NM_080629.3); short protein forms P1041S, P1029S, P913S, P990S.
Identifiers: ClinVar variation 2862118 (VCV002862118.3), dbSNP rs554196989, ClinGen allele CA27693605.